The following is an entry in ClinVar:

NC_000002.12:g.(?_71511797)_(71539257_?)dup

Gene: DYSF (dysferlin; plus strand). Cytogenetic location: 2p13.2.
Variant type: Duplication.
Identifiers: ClinVar variation 832841 (VCV000832841.3).

ClinVar aggregate classification (germline): Likely pathogenic (1 of 4 stars; one submission).

Conditions:
Neuromuscular disease caused by qualitative or quantitative defects of dysferlin. Also called: Dysferlinopathy; Qualitative or quantitative defects of dysferlin. Identifiers: Orphanet 207073, MedGen C2931687, MONDO:0016145.

Submission:

Labcorp Genetics (formerly Invitae), Labcorp
Classification: Likely pathogenic for Neuromuscular disease caused by qualitative or quantitative defects of dysferlin. Last evaluated: 2021-11-11. Review status: criteria provided, single submitter. Criteria: Invitae Variant Classification Sherloc (09022015). Collection method: clinical testing. Allele origin: germline.
Comment: In summary, the currently available evidence indicates that the variant is pathogenic, but additional data are needed to prove that conclusively. Therefore, this variant has been classified as Likely Pathogenic. This variant has not been reported in the literature in individuals affected with DYSF-related conditions. This variant results in a copy number gain of the genomic region encompassing exon(s) 5-16 of the DYSF gene. While the exact position of this variant cannot be determined from the data, sub-genic copy number gains are generally in tandem (PMID: 25640679). This variant is predicted to be out-of-frame, and may result in an absent or disrupted protein product. Loss-of-function variants in DYSF are known to be pathogenic (PMID: 17698709, 20301480).

Literature cited by the submitters: PubMed 25640679; PubMed 17698709; PubMed 20301480.